The following is an entry in ClinVar:

NM_000540.3(RYR1):c.12862_12867del (p.Thr4288_Ala4289del)

Gene: RYR1 (ryanodine receptor 1; plus strand). Cytogenetic location: 19q13.2.
Variant type: Deletion.
Coding change: c.12862_12867del on transcript NM_000540.3 (MANE Select); coding-DNA positions 12862 to 12867, 6 bases deleted (ACGGCG; older notation c.12862_12867delACGGCG).
Protein change: p.Thr4288_Ala4289del.
Molecular consequence: inframe deletion.
Genome position (GRCh38, 1-based): chr19:38,565,196-38,565,201, ACGGCG deleted. VCF-style (leftmost placement, unchanged base first): chr19-38565195-CACGGCG-C. GRCh37 (hg19) VCF-style: chr19-39055835-CACGGCG-C.
Other names: c.12847_12852del, p.Thr4283_Ala4284del (NM_001042723.2).
Identifiers: ClinVar variation 3604751 (VCV003604751.2).
Genomic context (GRCh38, chr19:38,565,195, plus strand): 5'-GGCGGAGGCGGGCGCGGAAGGCGCGGAGGAGGGCGCGGCGGGGCTCGAGGGCACGGCGGC[CACGGCG>C]GCGGCGGGGGCGACGGCGCGGGTTGTGGCGGCCGCAGGCCGGGCCCTGCGAGGCCTCAGC-3'

ClinVar aggregate classification (germline): Uncertain significance (1 of 4 stars; one submission).

Conditions:
RYR1-related disorder. Also called: RYR1-related condition; RYR1-related disorders. Identifiers: MedGen CN239331.

Submission:

Labcorp Genetics (formerly Invitae), Labcorp
Classification: Uncertain significance for RYR1-related disorder. Last evaluated: 2024-11-26. Review status: criteria provided, single submitter. Criteria: Invitae Variant Classification Sherloc (09022015). Collection method: clinical testing. Allele origin: germline.
Comment: This variant, c.12862_12867del, results in the deletion of 2 amino acid(s) of the RYR1 protein (p.Thr4288_Ala4289del), but otherwise preserves the integrity of the reading frame. The frequency data for this variant in the population databases is considered unreliable, as metrics indicate insufficient coverage at this position in the gnomAD database. This variant has not been reported in the literature in individuals affected with RYR1-related conditions. Experimental studies and prediction algorithms are not available or were not evaluated, and the functional significance of this variant is currently unknown. In summary, the available evidence is currently insufficient to determine the role of this variant in disease. Therefore, it has been classified as a Variant of Uncertain Significance.